The following is an entry in ClinVar:

NM_001267550.2(TTN):c.68224+1G>A

Genes: TTN-AS1 (TTN antisense RNA 1; plus strand), TTN (titin; minus strand), LOC126806423 (CDK7 strongly-dependent group 2 enhancer GRCh37_chr2:179443309-179444508; plus strand). Cytogenetic location: 2q31.2.
Variant type: single nucleotide variant.
Coding change: c.68224+1G>A on transcript NM_001267550.2 (MANE Select); the canonical splice donor site of the intron after coding-DNA position 68224, G replaced by A.
Molecular consequence: splice donor variant.
Genome position (GRCh38, 1-based): chr2:178,578,805, C>T on the plus strand (G>A on the coding strand, the complement: TTN is on the minus strand). VCF-style: chr2-178578805-C-T. GRCh37 (hg19) VCF-style: chr2-179443532-C-T.
Other names: c.41029+1G>A (NM_003319.4); c.41605+1G>A (NM_133437.4); c.41404+1G>A (NM_133432.3); c.60520+1G>A (NM_133378.4); c.63301+1G>A (NM_001256850.1).
Identifiers: ClinVar variation 1490628 (VCV001490628.13), dbSNP rs754250350, ClinGen allele CA1991167.
Genomic context (GRCh38, chr2:178,578,805, plus strand): 5'-TAATAAGAAGCCTCCTCAAAACCGTGTTTTGCTTTACGTCTTCTGAATTTAAGACACTTA[C>T]CAAATGGATGTCTCGCAACAATTGGCTCCGATTTCAGGCCTTCCCCTACACCATATTTAT-3'

ClinVar aggregate classification (germline): Conflicting classifications of pathogenicity. Review status: criteria provided, conflicting classifications (1 of 4 stars). 3 submissions from 3 submitters: Likely pathogenic (2); Uncertain significance (1). Last evaluated 2025-06-13.

Conditions:
Dilated cardiomyopathy 1G (CMD1G). Identifiers: Orphanet 154, MedGen C1858763, MONDO:0011400, OMIM 604145.
Autosomal recessive limb-girdle muscular dystrophy type 2J (LGMDR10). Also called: Limb-girdle muscular dystrophy, type 2J; MUSCULAR DYSTROPHY, LIMB-GIRDLE, AUTOSOMAL RECESSIVE 10. Identifiers: Orphanet 140922, MedGen C1837342, MONDO:0012127, OMIM 608807.
Cardiovascular phenotype. Identifiers: MedGen CN230736.

Allele frequency attached by ClinVar (database versions not stated): gnomAD exomes below 0.00001; ExAC 0.00001.
gnomAD v4.1: 1 of 1,609,912 alleles (0.000062%); highest among the groups gnomAD compares: Non-Finnish European, 0.000085%; no homozygotes.

Submissions (3):

Ambry Genetics
Classification: Uncertain significance for Cardiovascular phenotype. Last evaluated: 2025-06-13. Review status: criteria provided, single submitter. Criteria: Ambry Variant Classification Scheme 2023. Collection method: clinical testing. Allele origin: germline.
Comment: The c.41029+1G>A intronic variant results from a G to A substitution one nucleotide after coding exon 147 of the TTN gene. This exon is located in the A-band region of the N2-B isoform of the titin protein and is constitutively expressed in TTN transcripts (percent spliced in or PSI 100%). This variant was reported in individual(s) with features consistent with left ventricular non-compaction (LVNC) (Mazzarotto F et al. Genet Med, 2021 May;23:856-864). Alterations that disrupt the canonical splice site are expected to result in aberrant splicing. In silico splice site analysis predicts that this alteration will weaken the native splice donor site. A resulting transcript is predicted to be in-frame and is not expected to trigger nonsense-mediated mRNAdecay; although, direct evidence is unavailable. This nucleotide position is highly conserved in available vertebrate species. Based on the available evidence, the clinical significance of this variant remains unclear.

Labcorp Genetics (formerly Invitae), Labcorp
Classification: Likely pathogenic for Dilated cardiomyopathy 1G; Autosomal recessive limb-girdle muscular dystrophy type 2J. Last evaluated: 2024-06-13. Review status: criteria provided, single submitter. Criteria: Invitae Variant Classification Sherloc (09022015). Collection method: clinical testing. Allele origin: germline.
Comment: This sequence change affects a donor splice site in intron 320 of the TTN gene. It is expected to disrupt RNA splicing and likely results in a truncated or disrupted TTN protein. The frequency data for this variant in the population databases is considered unreliable, as metrics indicate poor data quality at this position in the gnomAD database. Disruption of this splice site has been observed in individual(s) with TTN-related conditions (PMID: 33500567). ClinVar contains an entry for this variant (Variation ID: 1490628). Algorithms developed to predict the effect of sequence changes on RNA splicing suggest that this variant may disrupt the consensus splice site. This variant is located in the A band of TTN (PMID: 25589632). Truncating variants in this region are significantly overrepresented in patients affected with dilated cardiomyopathy (PMID: 25589632). Truncating variants in this region have also been reported in individuals affected with autosomal recessive centronuclear myopathy (PMID: 23975875). In summary, the currently available evidence indicates that the variant is pathogenic, but additional data are needed to prove that conclusively. Therefore, this variant has been classified as Likely Pathogenic.

GeneDx
Classification: Likely pathogenic. Last evaluated: 2023-02-03. Review status: criteria provided, single submitter. Criteria: GeneDx Variant Classification Process June 2021. Collection method: clinical testing. Allele origin: germline. Affected: yes.
Comment: Reported in an individual with left ventricular noncompaction (Mazzarotto et al., 2021); Canonical splice site variant expected to result in aberrant splicing, although in the absence of functional evidence the actual effect of this sequence change is unknown.; Located in the A-band region of TTN in which the majority of loss of function variants have been associated with autosomal dominant titinopathies (Herman et al., 2012); Not observed at significant frequency in large population cohorts (gnomAD); This variant is associated with the following publications: (PMID: 33500567, 22335739)

Literature cited by the submitters: PubMed 33500567 (cited by Ambry Genetics and Labcorp Genetics (formerly Invitae), Labcorp); PubMed 25589632 (cited by Labcorp Genetics (formerly Invitae), Labcorp); PubMed 23975875 (cited by Labcorp Genetics (formerly Invitae), Labcorp).